The following is an entry in ClinVar:

NM_000092.5(COL4A4):c.337G>T (p.Gly113Cys)

Gene: COL4A4 (collagen type IV alpha 4 chain; minus strand). Cytogenetic location: 2q36.3.
Variant type: single nucleotide variant.
Coding change: c.337G>T on transcript NM_000092.5 (MANE Select); coding-DNA position 337, G replaced by T.
Protein change: p.Gly113Cys; replaces glycine 113 with cysteine.
Molecular consequence: missense variant.
Genome position (GRCh38, 1-based): chr2:227,119,930, C>A on the plus strand (G>T on the coding strand, the complement: COL4A4 is on the minus strand). VCF-style: chr2-227119930-C-A. GRCh37 (hg19) VCF-style: chr2-227984646-C-A.
Other names: short protein forms G113C.
Identifiers: ClinVar variation 4817333 (VCV004817333.1).
Genomic context (GRCh38, chr2:227,119,930, plus strand): 5'-GTGGAGAAAATTTAGGGATACTTACAGGTATGCCATCTAAACCTGGAAATCCAGGAACAC[C>A]AGTTGGACCCTAAAATCCCAGAAAATAAAACAAAGAGATAAAAATTATTAAATTAATAAG-3'
Protein context (NP_000083.3, residues 103-123): AGDKGDKGPT[Gly113Cys]VPGFPGLDGI

ClinVar aggregate classification (germline): Likely pathogenic (1 of 4 stars; one submission).

Conditions:
Alport syndrome. Also called: Hemorrhagic familial nephritis; Hemorrhagic hereditary nephritis; Congenital hereditary hematuria. Identifiers: Orphanet 63, MedGen C1567741, MONDO:0018965.

gnomAD v4.1: 2 of 1,578,348 alleles (0.00013%); highest among the groups gnomAD compares: Non-Finnish European, 0.00017%; no homozygotes.

Submission:

Natera, Inc.
Classification: Likely pathogenic for Alport syndrome. Last evaluated: 2025-08-23. Review status: criteria provided, single submitter. Criteria: Natera Variant Classification Schema (03/2026). Collection method: clinical testing. Allele origin: germline.
Comment: The c.337G>T variant in COL4A4 is a missense variant predicted to cause substitution of glycine to cysteine at amino acid 113. This variant is rare in the general population with a frequency below the threshold expected for the associated phenotype(s). This variant is located in a functionally critical region of the protein. A different variant at the same position has been determined to be Pathogenic or Likely Pathogenic. Computational prediction algorithms indicate this variant is likely to affect gene or protein function. Given the available evidence, this variant is classified as Likely Pathogenic.